The following is an entry in ClinVar:

NM_021076.4(NEFH):c.709G>C (p.Glu237Gln)

Gene: NEFH (neurofilament heavy chain; plus strand). Cytogenetic location: 22q12.2.
Variant type: single nucleotide variant.
Coding change: c.709G>C on transcript NM_021076.4 (MANE Select); coding-DNA position 709, G replaced by C.
Protein change: p.Glu237Gln; replaces glutamic acid 237 with glutamine.
Molecular consequence: missense variant.
Genome position (GRCh38, 1-based): chr22:29,480,971, G>C. VCF-style: chr22-29480971-G-C. GRCh37 (hg19) VCF-style: chr22-29876960-G-C.
Other names: short protein forms E237Q.
Identifiers: ClinVar variation 2817284 (VCV002817284.3), dbSNP rs2517969446, ClinGen allele CA411123751.

ClinVar aggregate classification (germline): Uncertain significance (1 of 4 stars; one submission).

Submission:

Labcorp Genetics (formerly Invitae), Labcorp
Classification: Uncertain significance. Last evaluated: 2022-11-29. Review status: criteria provided, single submitter. Criteria: Invitae Variant Classification Sherloc (09022015). Collection method: clinical testing. Allele origin: germline.
Comment: This sequence change replaces glutamic acid, which is acidic and polar, with glutamine, which is neutral and polar, at codon 237 of the NEFH protein (p.Glu237Gln). This variant is not present in population databases (gnomAD no frequency). This variant has not been reported in the literature in individuals affected with NEFH-related conditions. Algorithms developed to predict the effect of missense changes on protein structure and function are either unavailable or do not agree on the potential impact of this missense change (SIFT: "Deleterious"; PolyPhen-2: "Not Available"; Align-GVGD: "Class C0"). In summary, the available evidence is currently insufficient to determine the role of this variant in disease. Therefore, it has been classified as a Variant of Uncertain Significance.